The following is an entry in ClinVar:

ClinVar aggregate classification (germline): Uncertain significance. Review status: criteria provided, multiple submitters, no conflicts (2 of 4 stars). 3 submissions from 3 submitters: Uncertain significance (3). Last evaluated 2026-07-13.

Conditions:
Neurofibromatosis, type 2 (SWNV). Also called: NF2-Related Schwannomatosis; BILATERAL ACOUSTIC NEUROFIBROMATOSIS; SCHWANNOMATOSIS, VESTIBULAR. Identifiers: Orphanet 637, MedGen C0027832, MONDO:0007039, OMIM 101000. Disease mechanism: loss of function.
Hereditary cancer-predisposing syndrome. Also called: Tumor predisposition; Hereditary neoplastic syndrome; Neoplastic Syndromes, Hereditary; Hereditary Cancer Syndrome. Identifiers: Orphanet 140162, MedGen C0027672, MeSH D009386, MONDO:0015356.

Submissions (3):

Ambry Genetics
Classification: Uncertain significance for Hereditary cancer-predisposing syndrome. Last evaluated: 2026-07-13. Review status: criteria provided, single submitter. Criteria: Ambry Variant Classification Scheme 2023. Collection method: clinical testing. Allele origin: germline.
Comment: The p.D508H variant (also known as c.1522G>C), located in coding exon 14 of the NF2 gene, results from a G to C substitution at nucleotide position 1522. The aspartic acid at codon 508 is replaced by histidine, an amino acid with similar properties. This amino acid position is highly conserved in available vertebrate species. In addition, this alteration is predicted to be deleterious by in silico analysis. Based on the available evidence, the clinical significance of this variant remains unclear.

Labcorp Genetics (formerly Invitae), Labcorp
Classification: Uncertain significance for Neurofibromatosis, type 2. Last evaluated: 2024-11-11. Review status: criteria provided, single submitter. Criteria: Invitae Variant Classification Sherloc (09022015). Collection method: clinical testing. Allele origin: germline.
Comment: This sequence change replaces aspartic acid, which is acidic and polar, with histidine, which is basic and polar, at codon 508 of the NF2 protein (p.Asp508His). This variant is not present in population databases (gnomAD no frequency). This variant has not been reported in the literature in individuals affected with NF2-related conditions. ClinVar contains an entry for this variant (Variation ID: 1710973). Invitae Evidence Modeling of protein sequence and biophysical properties (such as structural, functional, and spatial information, amino acid conservation, physicochemical variation, residue mobility, and thermodynamic stability) has been performed for this missense variant. However, the output from this modeling did not meet the statistical confidence thresholds required to predict the impact of this variant on NF2 protein function. In summary, the available evidence is currently insufficient to determine the role of this variant in disease. Therefore, it has been classified as a Variant of Uncertain Significance.

St. Jude Molecular Pathology, St. Jude Children's Research Hospital
Classification: Uncertain significance for Neurofibromatosis, type 2. Last evaluated: 2022-08-04. Review status: criteria provided, single submitter. Criteria: St. Jude Assertion Criteria 2020. Collection method: clinical testing. Allele origin: germline.
Comment: The NF2 c.1522G>C (p.Asp508His) missense change is absent in gnomAD v2.1.1. The in silico tool REVEL predicts a deleterious effect on protein function, but to our knowledge this prediction has not been confirmed by functional studies. To our knowledge, this variant has not been reported in individuals with Neurofibromatosis type 2. In summary, the evidence currently available is insufficient to determine the clinical significance of this variant. It has therefore been classified as of uncertain significance.

NM_000268.4(NF2):c.1522G>C (p.Asp508His)

Gene: NF2 (NF2, moesin-ezrin-radixin like (MERLIN) tumor suppressor; plus strand). Cytogenetic location: 22q12.2.
Variant type: single nucleotide variant.
Coding change: c.1522G>C on transcript NM_000268.4 (MANE Select); coding-DNA position 1522, G replaced by C.
Protein change: p.Asp508His; replaces aspartic acid 508 with histidine.
Molecular consequence: missense variant. On other transcripts: non-coding transcript variant (1), intron variant (1).
Genome position (GRCh38, 1-based): chr22:29,678,271, G>C. VCF-style: chr22-29678271-G-C. GRCh37 (hg19) VCF-style: chr22-30074260-G-C.
Other names: c.1408G>C, p.Asp470His (NM_001407053.1, NM_001407056.1); c.1399G>C, p.Asp467His (NM_001407054.1, NM_001407058.1, NM_181829.3); c.1396G>C, p.Asp466His (NM_001407055.1, NM_181828.3); c.1387G>C, p.Asp463His (NM_001407057.1, NM_001407059.1); c.1522G>C, p.Asp508His (NM_001407060.1, NM_001407066.1, NM_016418.5 and 2 more transcripts); c.1264G>C, p.Asp422His (NM_001407062.1); c.1273G>C, p.Asp425His (NM_001407063.1, NM_001407064.1, NM_181830.3 and 1 more transcripts); c.988G>C, p.Asp330His (NM_001407065.1); and 2 more; short protein forms D330H, D422H, D425H, D431H, D463H, D466H, D467H, D470H.
Identifiers: ClinVar variation 1710973 (VCV001710973.7), dbSNP rs749326764, ClinGen allele CA411149695.